The following is an entry in ClinVar:

NM_002860.4(ALDH18A1):c.1617A>C (p.Arg539Ser)

Gene: ALDH18A1 (aldehyde dehydrogenase 18 family member A1; minus strand). Cytogenetic location: 10q24.1.
Variant type: single nucleotide variant.
Coding change: c.1617A>C on transcript NM_002860.4 (MANE Select); coding-DNA position 1617, A replaced by C.
Protein change: p.Arg539Ser; replaces arginine 539 with serine.
Molecular consequence: missense variant.
Genome position (GRCh38, 1-based): chr10:95,614,150, T>G on the plus strand (A>C on the coding strand, the complement: ALDH18A1 is on the minus strand). VCF-style: chr10-95614150-T-G. GRCh37 (hg19) VCF-style: chr10-97373907-T-G.
Other names: c.1611A>C, p.Arg537Ser (NM_001017423.2, NM_001323415.2); c.1284A>C, p.Arg428Ser (NM_001323412.2, NM_001323416.2); c.1617A>C, p.Arg539Ser (NM_001323413.2, NM_001323414.2); c.1512A>C, p.Arg504Ser (NM_001323417.2); c.1278A>C, p.Arg426Ser (NM_001323418.2); c.981A>C, p.Arg327Ser (NM_001323419.2); short protein forms R327S, R426S, R428S, R504S, R537S, R539S.
Identifiers: ClinVar variation 1720106 (VCV001720106.6), dbSNP rs2526730652, ClinGen allele CA377700889.

ClinVar aggregate classification (germline): Uncertain significance (1 of 4 stars; one submission).

Conditions:
Autosomal dominant spastic paraplegia type 9. Identifiers: MedGen C1832669, MONDO:0015091.
Cutis laxa, autosomal dominant 3 (ADCL3). Identifiers: Orphanet 90348, MedGen C4225268, MONDO:0014706, OMIM 616603.
de Barsy syndrome. Also called: Cutis laxa-corneal clouding-oligophrenia syndrome. Identifiers: Orphanet 2962, MedGen C0268354, MONDO:0017569.

Submission:

Labcorp Genetics (formerly Invitae), Labcorp
Classification: Uncertain significance for Autosomal dominant spastic paraplegia type 9; de Barsy syndrome; Cutis laxa, autosomal dominant 3. Last evaluated: 2025-12-19. Review status: criteria provided, single submitter. Criteria: Invitae Variant Classification Sherloc (09022015). Collection method: clinical testing. Allele origin: germline.
Comment: This sequence change replaces arginine, which is basic and polar, with serine, which is neutral and polar, at codon 539 of the ALDH18A1 protein (p.Arg539Ser). This variant is not present in population databases (gnomAD no frequency). This variant has not been reported in the literature in individuals affected with ALDH18A1-related conditions. ClinVar contains an entry for this variant (Variation ID: 1720106). Invitae Evidence Modeling of protein sequence and biophysical properties (such as structural, functional, and spatial information, amino acid conservation, physicochemical variation, residue mobility, and thermodynamic stability) indicates that this missense variant is expected to disrupt ALDH18A1 protein function with a positive predictive value of 95%. In summary, the available evidence is currently insufficient to determine the role of this variant in disease. Therefore, it has been classified as a Variant of Uncertain Significance.